The following is an entry in ClinVar:

NM_000780.4(CYP7A1):c.957del (p.Glu320fs)

Gene: CYP7A1 (cytochrome P450 family 7 subfamily A member 1; minus strand). Cytogenetic location: 8q12.1.
Variant type: Deletion.
Coding change: c.957del on transcript NM_000780.4 (MANE Select); coding-DNA position 957, one base deleted (A; older notation c.957delA).
Protein change: p.Glu320fs; shifts the reading frame from glutamic acid 320.
Molecular consequence: frameshift variant.
Genome position (GRCh38, 1-based): chr8:58,494,588, T deleted on the plus strand (A on the coding strand, the reverse complement: CYP7A1 is on the minus strand). VCF-style (leftmost placement, unchanged base first): chr8-58494587-CT-C. GRCh37 (hg19) VCF-style: chr8-59407146-CT-C.
Other names: short protein forms E320fs.
Identifiers: ClinVar variation 2824543 (VCV002824543.3), dbSNP rs2487033227, ClinGen allele CA2579171565.

ClinVar aggregate classification (germline): Uncertain significance (1 of 4 stars; one submission).

Submission:

Labcorp Genetics (formerly Invitae), Labcorp
Classification: Uncertain significance. Last evaluated: 2022-12-27. Review status: criteria provided, single submitter. Criteria: Invitae Variant Classification Sherloc (09022015). Collection method: clinical testing. Allele origin: germline.
Comment: In summary, the available evidence is currently insufficient to determine the role of this variant in disease. Therefore, it has been classified as a Variant of Uncertain Significance. This variant has not been reported in the literature in individuals affected with CYP7A1-related conditions. This variant is not present in population databases (gnomAD no frequency). This sequence change creates a premature translational stop signal (p.Glu320Argfs*16) in the CYP7A1 gene. It is expected to result in an absent or disrupted protein product. However, the current clinical and genetic evidence is not sufficient to establish whether loss-of-function variants in CYP7A1 cause disease.